The following is an entry in ClinVar:

NM_000297.4(PKD2):c.355C>A (p.Arg119Ser)

Genes: PKD2 (polycystin 2, transient receptor potential cation channel; plus strand), LOC129992813 (ATAC-STARR-seq lymphoblastoid silent region 15559; plus strand). Cytogenetic location: 4q22.1.
Variant type: single nucleotide variant.
Coding change: c.355C>A on transcript NM_000297.4 (MANE Select); coding-DNA position 355, C replaced by A.
Protein change: p.Arg119Ser; replaces arginine 119 with serine.
Molecular consequence: missense variant. On other transcripts: non-coding transcript variant (1).
Genome position (GRCh38, 1-based): chr4:88,008,088, C>A. VCF-style: chr4-88008088-C-A. GRCh37 (hg19) VCF-style: chr4-88929240-C-A.
Other names: short protein forms R119S.
Identifiers: ClinVar variation 1054584 (VCV001054584.9), dbSNP rs1348377640, ClinGen allele CA357626346.

ClinVar aggregate classification (germline): Uncertain significance (1 of 4 stars; one submission).

Conditions:
Autosomal dominant polycystic kidney disease. Identifiers: Orphanet 730, MedGen C0085413, MONDO:0004691.

Allele frequency attached by ClinVar (database versions not stated): gnomAD exomes below 0.00001 and 0.00001.
gnomAD v4.1: 3 of 1,518,320 alleles (0.0002%); highest among the groups gnomAD compares: Non-Finnish European, 0.00026%; no homozygotes.

Submission:

Labcorp Genetics (formerly Invitae), Labcorp
Classification: Uncertain significance for Autosomal dominant polycystic kidney disease. Last evaluated: 2024-10-22. Review status: criteria provided, single submitter. Criteria: Invitae Variant Classification Sherloc (09022015). Collection method: clinical testing. Allele origin: germline.
Comment: This sequence change replaces arginine, which is basic and polar, with serine, which is neutral and polar, at codon 119 of the PKD2 protein (p.Arg119Ser). The frequency data for this variant in the population databases is considered unreliable, as metrics indicate poor data quality at this position in the gnomAD database. This variant has not been reported in the literature in individuals affected with PKD2-related conditions. ClinVar contains an entry for this variant (Variation ID: 1054584). An algorithm developed to predict the effect of missense changes on protein structure and function (PolyPhen-2) suggests that this variant is likely to be disruptive. In summary, the available evidence is currently insufficient to determine the role of this variant in disease. Therefore, it has been classified as a Variant of Uncertain Significance.